The following is an entry in ClinVar:

NM_001291303.3(FAT4):c.12620C>G (p.Thr4207Ser)

Gene: FAT4 (FAT atypical cadherin 4; plus strand). Cytogenetic location: 4q28.1.
Variant type: single nucleotide variant.
Coding change: c.12620C>G on transcript NM_001291303.3 (MANE Select); coding-DNA position 12620, C replaced by G.
Protein change: p.Thr4207Ser; replaces threonine 4207 with serine.
Molecular consequence: missense variant.
Genome position (GRCh38, 1-based): chr4:125,481,536, C>G. VCF-style: chr4-125481536-C-G. GRCh37 (hg19) VCF-style: chr4-126402691-C-G.
Other names: c.12614C>G, p.Thr4205Ser (NM_024582.6); c.12620C>G, p.Thr4207Ser (NM_001291285.3); short protein forms T4207S, T4205S.
Identifiers: ClinVar variation 2049684 (VCV002049684.4), dbSNP rs761167727, ClinGen allele CA358132428.
Genomic context (GRCh38, chr4:125,481,536, plus strand): 5'-GCCAAATGAATGCATTCATTTTCCCTTTTTTCCTTTGACTTCCAGCTGTTACTCCTGACA[C>G]TGCCTTATCATTAGAAGGCAAAGGGCGCTTGGACTACCACATGAGTCAGAATGAGAAGCG-3'
Protein context (NP_001278232.1, residues 4197-4217): KYCEKSVTPD[Thr4207Ser]ALSLEGKGRL

ClinVar aggregate classification (germline): Uncertain significance (1 of 4 stars; one submission).

Allele frequency attached by ClinVar (database versions not stated): TOPMed below 0.00001; gnomAD 0.00001.
gnomAD v4.1: 2 of 1,613,626 alleles (0.00012%); highest among the groups gnomAD compares: Non-Finnish European, 0.000085%; no homozygotes.

Submission:

Labcorp Genetics (formerly Invitae), Labcorp
Classification: Uncertain significance. Last evaluated: 2022-05-30. Review status: criteria provided, single submitter. Criteria: Invitae Variant Classification Sherloc (09022015). Collection method: clinical testing. Allele origin: germline.
Comment: In summary, the available evidence is currently insufficient to determine the role of this variant in disease. Therefore, it has been classified as a Variant of Uncertain Significance. Advanced modeling of protein sequence and biophysical properties (such as structural, functional, and spatial information, amino acid conservation, physicochemical variation, residue mobility, and thermodynamic stability) performed at Invitae indicates that this missense variant is not expected to disrupt FAT4 protein function. This variant has not been reported in the literature in individuals affected with FAT4-related conditions. This variant is not present in population databases (gnomAD no frequency). This sequence change replaces threonine, which is neutral and polar, with serine, which is neutral and polar, at codon 4205 of the FAT4 protein (p.Thr4205Ser).